The following is an entry in ClinVar:

NM_001244926.2(PRPF4):c.793C>T (p.Leu265Phe)

Gene: PRPF4 (pre-mRNA splicing tri-snRNP complex factor PRPF4; plus strand). Cytogenetic location: 9q32.
Variant type: single nucleotide variant.
Coding change: c.793C>T on transcript NM_001244926.2 (MANE Select); coding-DNA position 793, C replaced by T.
Protein change: p.Leu265Phe; replaces leucine 265 with phenylalanine.
Molecular consequence: missense variant. On other transcripts: non-coding transcript variant (2).
Genome position (GRCh38, 1-based): chr9:113,286,275, C>T. VCF-style: chr9-113286275-C-T. GRCh37 (hg19) VCF-style: chr9-116048555-C-T.
Other names: c.67C>T, p.Leu23Phe (NM_001322266.2, NM_001322267.2); c.796C>T, p.Leu266Phe (NM_004697.5); short protein forms L265F, L266F, L23F.
Identifiers: ClinVar variation 2185364 (VCV002185364.4), dbSNP rs1375530518, ClinGen allele CA374553870.

ClinVar aggregate classification (germline): Uncertain significance (1 of 4 stars; one submission).

Allele frequency attached by ClinVar (database versions not stated): gnomAD exomes below 0.00001.

Submission:

Labcorp Genetics (formerly Invitae), Labcorp
Classification: Uncertain significance. Last evaluated: 2025-04-22. Review status: criteria provided, single submitter. Criteria: Invitae Variant Classification Sherloc (09022015). Collection method: clinical testing. Allele origin: germline.
Comment: This sequence change replaces leucine, which is neutral and non-polar, with phenylalanine, which is neutral and non-polar, at codon 266 of the PRPF4 protein (p.Leu266Phe). This variant is present in population databases (no rsID available, gnomAD 0.0009%). This variant has not been reported in the literature in individuals affected with PRPF4-related conditions. ClinVar contains an entry for this variant (Variation ID: 2185364). An algorithm developed to predict the effect of missense changes on protein structure and function (PolyPhen-2) suggests that this variant is likely to be tolerated. In summary, the available evidence is currently insufficient to determine the role of this variant in disease. Therefore, it has been classified as a Variant of Uncertain Significance.